The following is an entry in ClinVar:

NM_001378183.1(PIEZO2):c.4475T>C (p.Ile1492Thr)

Gene: PIEZO2 (piezo type mechanosensitive ion channel component 2; minus strand). Cytogenetic location: 18p11.22.
Variant type: single nucleotide variant.
Coding change: c.4475T>C on transcript NM_001378183.1 (MANE Select); coding-DNA position 4475, T replaced by C.
Protein change: p.Ile1492Thr; replaces isoleucine 1492 with threonine.
Molecular consequence: missense variant.
Genome position (GRCh38, 1-based): chr18:10,744,181, A>G on the plus strand (T>C on the coding strand, the complement: PIEZO2 is on the minus strand). VCF-style: chr18-10744181-A-G. GRCh37 (hg19) VCF-style: chr18-10744179-A-G.
Other names: c.4400T>C (NM_022068.2); c.4475T>C, p.Ile1492Thr (NM_001410871.1); c.4400T>C, p.Ile1467Thr (NM_022068.4); short protein forms I1467T, I1492T.
Identifiers: ClinVar variation 2418415 (VCV002418415.9), dbSNP rs879628108, ClinGen allele CA296019995.

ClinVar aggregate classification (germline): Uncertain significance. Review status: criteria provided, multiple submitters, no conflicts (2 of 4 stars). 2 submissions from 2 submitters: Uncertain significance (2). Last evaluated 2025-12-24.

Conditions:
Inborn genetic diseases. Identifiers: MedGen C0950123, MeSH D030342.

Allele frequency attached by ClinVar (database versions not stated): gnomAD exomes 0.00003; TOPMed 0.00006; gnomAD 0.00007.
gnomAD v4.1: 51 of 1,536,926 alleles (0.0033%); highest among the groups gnomAD compares: African/African-American, 0.0055%; no homozygotes.

Submissions (2):

Labcorp Genetics (formerly Invitae), Labcorp
Classification: Uncertain significance. Last evaluated: 2025-12-24. Review status: criteria provided, single submitter. Criteria: Invitae Variant Classification Sherloc (09022015). Collection method: clinical testing. Allele origin: germline.
Comment: This sequence change replaces isoleucine, which is neutral and non-polar, with threonine, which is neutral and polar, at codon 1467 of the PIEZO2 protein (p.Ile1467Thr). This variant is present in population databases (no rsID available, gnomAD 0.008%). This variant has not been reported in the literature in individuals affected with PIEZO2-related conditions. ClinVar contains an entry for this variant (Variation ID: 2418415). Invitae Evidence Modeling of protein sequence and biophysical properties (such as structural, functional, and spatial information, amino acid conservation, physicochemical variation, residue mobility, and thermodynamic stability) indicates that this missense variant is not expected to disrupt PIEZO2 protein function with a negative predictive value of 80%. In summary, the available evidence is currently insufficient to determine the role of this variant in disease. Therefore, it has been classified as a Variant of Uncertain Significance.

Ambry Genetics
Classification: Uncertain significance for Inborn genetic diseases. Last evaluated: 2025-10-29. Review status: criteria provided, single submitter. Criteria: Ambry Variant Classification Scheme 2023. Collection method: clinical testing. Allele origin: germline.